The following is an entry in ClinVar:

NM_004370.6(COL12A1):c.7698-10T>C

Gene: COL12A1 (collagen type XII alpha 1 chain; minus strand). Cytogenetic location: 6q13.
Variant type: single nucleotide variant.
Coding change: c.7698-10T>C on transcript NM_004370.6 (MANE Select); 10 bases into the intron before coding-DNA position 7698, T replaced by C.
Molecular consequence: intron variant.
Genome position (GRCh38, 1-based): chr6:75,113,754, A>G on the plus strand (T>C on the coding strand, the complement: COL12A1 is on the minus strand). VCF-style: chr6-75113754-A-G. GRCh37 (hg19) VCF-style: chr6-75823470-A-G.
Other names: c.7698-10T>C (NM_004370.5); c.4206-10T>C (NM_080645.3).
Identifiers: ClinVar variation 2200459 (VCV002200459.8), dbSNP rs1209387997, ClinGen allele CA568125381.

ClinVar aggregate classification (germline): Likely benign. Review status: criteria provided, multiple submitters, no conflicts (2 of 4 stars). 3 submissions from 3 submitters: Likely benign (2). 1 of the submissions does not count toward it. Last evaluated 2025-04-09.

Conditions:
COL12A1-related disorder. Also called: COL12A1-related condition.
Ullrich congenital muscular dystrophy 2 (UCMD2). Identifiers: Orphanet 75840, MedGen C4225314, MONDO:0014654, OMIM 616470.
Bethlem myopathy 2 (BTHLM2). Identifiers: Orphanet 536516, Orphanet 610, MedGen C4225313, MONDO:0034022, OMIM 616471.

Allele frequency attached by ClinVar (database versions not stated): TOPMed below 0.00001; gnomAD 0.00001; gnomAD exomes 0.00001.
gnomAD v4.1: 16 of 1,548,112 alleles (0.001%); highest among the groups gnomAD compares: Non-Finnish European, 0.0014%; no homozygotes.

Submissions (3):

Women's Health and Genetics/Laboratory Corporation of America, LabCorp
Classification: Likely benign. Last evaluated: 2025-04-09. Review status: criteria provided, single submitter. Criteria: LabCorp Variant Classification Summary - May 2015. Collection method: clinical testing. Allele origin: germline.

Labcorp Genetics (formerly Invitae), Labcorp
Classification: Likely benign for Bethlem myopathy 2; Ullrich congenital muscular dystrophy 2. Last evaluated: 2023-11-20. Review status: criteria provided, single submitter. Criteria: Invitae Variant Classification Sherloc (09022015). Collection method: clinical testing. Allele origin: germline.

PreventionGenetics, part of Exact Sciences
Classification: Likely benign for COL12A1-related condition. Last evaluated: 2021-11-04. Review status: no assertion criteria provided. Collection method: clinical testing. Allele origin: germline. Not counted in ClinVar's aggregate classification.
Comment: This variant is classified as likely benign based on ACMG/AMP sequence variant interpretation guidelines (Richards et al. 2015 PMID: 25741868, with internal and published modifications).